The following is an entry in ClinVar:

NM_001430.5(EPAS1):c.16G>A (p.Glu6Lys)

Genes: EPAS1 (endothelial PAS domain protein 1; plus strand), LOC129933655 (ATAC-STARR-seq lymphoblastoid silent region 11447; plus strand). Cytogenetic location: 2p21.
Variant type: single nucleotide variant.
Coding change: c.16G>A on transcript NM_001430.5 (MANE Select); coding-DNA position 16, G replaced by A.
Protein change: p.Glu6Lys; replaces glutamic acid 6 with lysine.
Molecular consequence: missense variant.
Genome position (GRCh38, 1-based): chr2:46,297,927, G>A. VCF-style: chr2-46297927-G-A. GRCh37 (hg19) VCF-style: chr2-46525066-G-A.
Other names: short protein forms E6K.
Identifiers: ClinVar variation 3221570 (VCV003221570.1), dbSNP rs1558578534, ClinGen allele CA346695250.

ClinVar aggregate classification (germline): Uncertain significance (1 of 4 stars; one submission).

Conditions:
Inborn genetic diseases. Identifiers: MedGen C0950123, MeSH D030342.

Allele frequency attached by ClinVar (database versions not stated): gnomAD exomes below 0.00001; TOPMed 0.00001.
gnomAD v4.1: 2 of 1,612,642 alleles (0.00012%); highest among the groups gnomAD compares: South Asian, 0.0011%; no homozygotes.

Submission:

Ambry Genetics
Classification: Uncertain significance for Inborn genetic diseases. Last evaluated: 2023-01-04. Review status: criteria provided, single submitter. Criteria: Ambry Variant Classification Scheme 2023. Collection method: clinical testing. Allele origin: germline.
Comment: The p.E6K variant (also known as c.16G>A), located in coding exon 1 of the EPAS1 gene, results from a G to A substitution at nucleotide position 16. The glutamic acid at codon 6 is replaced by lysine, an amino acid with similar properties. This amino acid position is conserved. In addition, this alteration is predicted to be tolerated by in silico analysis. Since supporting evidence is limited at this time, the clinical significance of this alteration remains unclear.